The following is an entry in ClinVar:

ClinVar aggregate classification (germline): Likely benign (1 of 4 stars; one submission).

Allele frequency attached by ClinVar (database versions not stated): 1000 Genomes Project 0.00140; 1000 Genomes Project 30x 0.00219; TOPMed 0.00345; gnomAD 0.00361.
gnomAD v4.1: 469 of 129,324 alleles (0.36%); highest among the groups gnomAD compares: Admixed American, 0.63%; no homozygotes.

Submission:

CeGaT Center for Human Genetics Tuebingen
Classification: Likely benign. Last evaluated: 2026-04-01. Review status: criteria provided, single submitter. Criteria: CeGaT Center For Human Genetics Tuebingen Variant Classification Criteria Version 2. Collection method: clinical testing. Allele origin: germline. Affected: yes. Observed: 15 variant alleles.
Comment: SOS1: BS1

NC_000002.12:g.38962804G>A

Genes: ARHGEF33 (Rho guanine nucleotide exchange factor 33; plus strand), SOS1 (SOS Ras/Rac guanine nucleotide exchange factor 1; minus strand). Cytogenetic location: 2p22.1.
Variant type: single nucleotide variant.
Molecular consequence: intron variant (on NM_001145451.5).
Genome position: GRCh38 VCF-style: chr2-38962804-G-A. GRCh37 (hg19) VCF-style: chr2-39189945-G-A.
Other names: c.2343+2156G>A (NM_001367623.3, NM_001145451.5).
Identifiers: ClinVar variation 2650843 (VCV002650843.24), dbSNP rs186949565, ClinGen allele CA45655336.